The following is an entry in ClinVar:

ClinVar aggregate classification (germline): Likely benign (1 of 4 stars; one submission).

gnomAD v4.1: 1,168 of 1,611,304 alleles (0.072%); highest among the groups gnomAD compares: Non-Finnish European, 0.096%; 2 homozygotes.

Submission:

Mayo Clinic Laboratories, Mayo Clinic
Classification: Likely benign. Last evaluated: 2025-08-19. Review status: criteria provided, single submitter. Criteria: ACMG Guidelines, 2015. Collection method: clinical testing. Allele origin: germline. Observed: 1 variant allele.
Comment: BP4, BP7

NM_017686.4(GDAP2):c.693T>C (p.Asn231=)

Gene: GDAP2 (ganglioside induced differentiation associated protein 2; minus strand). Cytogenetic location: 1p12.
Variant type: single nucleotide variant.
Coding change: c.693T>C on transcript NM_017686.4 (MANE Select); coding-DNA position 693, T replaced by C.
Protein change: p.Asn231=; no amino-acid change (asparagine 231 retained).
Molecular consequence: synonymous variant.
Genome position (GRCh38, 1-based): chr1:117,899,160, A>G on the plus strand (T>C on the coding strand, the complement: GDAP2 is on the minus strand). VCF-style: chr1-117899160-A-G. GRCh37 (hg19) VCF-style: chr1-118441782-A-G.
Other names: p.Asn231=; c.693T>C, p.Asn231= (NM_001135589.3).
Identifiers: ClinVar variation 4683409 (VCV004683409.1).
Genomic context (GRCh38, chr1:117,899,160, plus strand): 5'-AGGTACCACAGGCTCCCCTTCTGCATTTCCAATATCTGCAGGTAGGTAGGGCAATGATCG[A>G]TTCTCCTCTTTTAATGACCTTGGGAAGTAGAGAGGTAGCAGCTTTTGGTAAGTACCCTGT-3'
Protein context (NP_060156.1, residues 221-241): LYFPRSLKEE[Asn231=]RSLPYLPADI